The following is an entry in ClinVar:

NM_153717.3(EVC):c.1186C>G (p.Arg396Gly)

Gene: EVC (EvC ciliary complex subunit 1; plus strand). Cytogenetic location: 4p16.2.
Variant type: single nucleotide variant.
Coding change: c.1186C>G on transcript NM_153717.3 (MANE Select); coding-DNA position 1186, C replaced by G.
Protein change: p.Arg396Gly; replaces arginine 396 with glycine.
Molecular consequence: missense variant.
Genome position (GRCh38, 1-based): chr4:5,752,923, C>G. VCF-style: chr4-5752923-C-G. GRCh37 (hg19) VCF-style: chr4-5754650-C-G.
Other names: c.1186C>G, p.Arg396Gly (NM_001306090.2, NM_001306092.2); short protein forms R396G.
Identifiers: ClinVar variation 2157930 (VCV002157930.3), dbSNP rs762412181, ClinGen allele CA2836026.

ClinVar aggregate classification (germline): Uncertain significance (1 of 4 stars; one submission).

Conditions:
Ellis-van Creveld syndrome (EVC). Also called: MESOECTODERMAL DYSPLASIA; Chondroectodermal dysplasia; EVC-Related Ellis-van Creveld Syndrome; EVC2-Related Ellis-van Creveld Syndrome. Identifiers: Orphanet 289, MedGen C0013903, MONDO:0009162, OMIM 225500.
Curry-Hall syndrome (WAD). Also called: WEYERS ACRODENTAL DYSOSTOSIS. Identifiers: Orphanet 952, MedGen C0457013, MONDO:0008673, OMIM 193530.

Allele frequency attached by ClinVar (database versions not stated): ExAC 0.00002.
gnomAD v4.1: 5 of 1,614,164 alleles (0.00031%); highest among the groups gnomAD compares: Admixed American, 0.0083%; no homozygotes.

Submission:

Labcorp Genetics (formerly Invitae), Labcorp
Classification: Uncertain significance for Curry-Hall syndrome; Ellis-van Creveld syndrome. Last evaluated: 2023-11-27. Review status: criteria provided, single submitter. Criteria: Invitae Variant Classification Sherloc (09022015). Collection method: clinical testing. Allele origin: germline.
Comment: This sequence change replaces arginine, which is basic and polar, with glycine, which is neutral and non-polar, at codon 396 of the EVC protein (p.Arg396Gly). This variant is present in population databases (rs762412181, gnomAD 0.01%). This variant has not been reported in the literature in individuals affected with EVC-related conditions. ClinVar contains an entry for this variant (Variation ID: 2157930). Advanced modeling of protein sequence and biophysical properties (such as structural, functional, and spatial information, amino acid conservation, physicochemical variation, residue mobility, and thermodynamic stability) performed at Invitae indicates that this missense variant is expected to disrupt EVC protein function with a positive predictive value of 80%. In summary, the available evidence is currently insufficient to determine the role of this variant in disease. Therefore, it has been classified as a Variant of Uncertain Significance.